The following is an entry in ClinVar:

NM_001999.4(FBN2):c.5950G>A (p.Val1984Met)

Gene: FBN2 (fibrillin 2; minus strand). Cytogenetic location: 5q23.3.
Variant type: single nucleotide variant.
Coding change: c.5950G>A on transcript NM_001999.4 (MANE Select); coding-DNA position 5950, G replaced by A.
Protein change: p.Val1984Met; replaces valine 1984 with methionine.
Molecular consequence: missense variant.
Genome position (GRCh38, 1-based): chr5:128,301,478, C>T on the plus strand (G>A on the coding strand, the complement: FBN2 is on the minus strand). VCF-style: chr5-128301478-C-T. GRCh37 (hg19) VCF-style: chr5-127637170-C-T.
Other names: short protein forms V1984M.
Identifiers: ClinVar variation 423268 (VCV000423268.2), dbSNP rs1064796333, ClinGen allele CA16618109.

ClinVar aggregate classification (germline): Uncertain significance (1 of 4 stars; one submission).

gnomAD v4.1: 1 of 1,613,452 alleles (0.000062%); highest among the groups gnomAD compares: Non-Finnish European, 0.000085%; no homozygotes.

Submission:

GeneDx
Classification: Uncertain significance. Last evaluated: 2017-02-10. Review status: criteria provided, single submitter. Criteria: GeneDx Variant Classification (06012015). Collection method: clinical testing. Allele origin: germline. Affected: yes.
Comment: The V1984M variant in the FBN2 gene has not been reported previously as a pathogenic variant, nor as a benign variant, to our knowledge. The V1984M variant is not observed in large population cohorts (Lek et al., 2016; 1000 Genomes Consortium et al., 2015; Exome Variant Server). This substitution occurs at a position where amino acids with similar properties to Valine are tolerated across species. However, the V1984M variant is a conservative amino acid substitution, which is not likely to impact secondary protein structure as these residues share similar properties. In silico analysis is inconsistent in its predictions as to whether or not the variant is damaging to the protein structure/function. We interpret V1984M as a variant of uncertain significance.